The following is an entry in ClinVar:

ClinVar aggregate classification (germline): Likely benign (1 of 4 stars; one submission).

gnomAD v4.1: 223 of 1,612,712 alleles (0.014%); highest among the groups gnomAD compares: South Asian, 0.22%; 3 homozygotes.

Submission:

CeGaT Center for Human Genetics Tuebingen
Classification: Likely benign. Last evaluated: 2025-01-01. Review status: criteria provided, single submitter. Criteria: CeGaT Center For Human Genetics Tuebingen Variant Classification Criteria Version 2. Collection method: clinical testing. Allele origin: germline. Affected: yes. Observed: 1 variant allele.
Comment: CENPE: BS2

NM_001813.3(CENPE):c.2795A>G (p.Asp932Gly)

Gene: CENPE (centromere protein E; minus strand). Cytogenetic location: 4q24.
Variant type: single nucleotide variant.
Coding change: c.2795A>G on transcript NM_001813.3 (MANE Select); coding-DNA position 2795, A replaced by G.
Protein change: p.Asp932Gly; replaces aspartic acid 932 with glycine.
Molecular consequence: missense variant.
Genome position (GRCh38, 1-based): chr4:103,158,693, T>C on the plus strand (A>G on the coding strand, the complement: CENPE is on the minus strand). VCF-style: chr4-103158693-T-C. GRCh37 (hg19) VCF-style: chr4-104079850-T-C.
Other names: c.2720A>G, p.Asp907Gly (NM_001286734.2); short protein forms D907G, D932G.
Identifiers: ClinVar variation 3770955 (VCV003770955.13).
Genomic context (GRCh38, chr4:103,158,693, plus strand): 5'-ATATCACTTTTGAGTTGGTCCCTCTCAATTTGCAAGCTTTCTTGGAGTTGTTTTAGATCA[T>C]CTTTTTCTTGAGTTAAAGTTTTTACTTCTTCTAAAGTTTGCTGCAGTTTCTCAGTAATCA-3'
Protein context (NP_001804.2, residues 922-942): EEVKTLTQEK[Asp932Gly]DLKQLQESLQ